The following is an entry in ClinVar:

NM_007129.5(ZIC2):c.92C>T (p.Ala31Val)

Gene: ZIC2 (Zic family zinc finger 2; plus strand). Cytogenetic location: 13q32.3.
Variant type: single nucleotide variant.
Coding change: c.92C>T on transcript NM_007129.5 (MANE Select); coding-DNA position 92, C replaced by T.
Protein change: p.Ala31Val; replaces alanine 31 with valine.
Molecular consequence: missense variant.
Genome position (GRCh38, 1-based): chr13:99,982,156, C>T. VCF-style: chr13-99982156-C-T. GRCh37 (hg19) VCF-style: chr13-100634410-C-T.
Other names: short protein forms A31V.
Identifiers: ClinVar variation 4749159 (VCV004749159.1).
Genomic context (GRCh38, chr13:99,982,156, plus strand): 5'-CCATCGGGGTGGGCAGCTTCGCGCGCCACCATCACCACTCCGCCGCGGCGGCGGCGGCGG[C>T]TGCCGCCGAGATGCAGGACCGTGAACTGAGCCTGGCGGCGGCGCAGAACGGCTTCGTTGA-3'
Protein context (NP_009060.2, residues 21-41): HHHSAAAAAA[Ala31Val]AAEMQDRELS

ClinVar aggregate classification (germline): Uncertain significance (1 of 4 stars; one submission).

Conditions:
Holoprosencephaly 5 (HPE5). Identifiers: Orphanet 2162, MedGen C1864827, MONDO:0012322, OMIM 609637.

gnomAD v4.1: 3 of 1,348,212 alleles (0.00022%); highest among the groups gnomAD compares: South Asian, 0.0019%; no homozygotes.

Submission:

Labcorp Genetics (formerly Invitae), Labcorp
Classification: Uncertain significance for Holoprosencephaly 5. Last evaluated: 2025-07-16. Review status: criteria provided, single submitter. Criteria: Invitae Variant Classification Sherloc (09022015). Collection method: clinical testing. Allele origin: germline.
Comment: This sequence change replaces alanine, which is neutral and non-polar, with valine, which is neutral and non-polar, at codon 31 of the ZIC2 protein (p.Ala31Val). This variant is present in population databases (no rsID available, gnomAD 0.007%). This variant has not been reported in the literature in individuals affected with ZIC2-related conditions. An algorithm developed to predict the effect of missense changes on protein structure and function (PolyPhen-2) suggests that this variant is likely to be tolerated. In summary, the available evidence is currently insufficient to determine the role of this variant in disease. Therefore, it has been classified as a Variant of Uncertain Significance.